The following is an entry in ClinVar:

ClinVar aggregate classification (germline): Uncertain significance. Review status: criteria provided, multiple submitters, no conflicts (2 of 4 stars). 3 submissions from 3 submitters: Uncertain significance (3). Last evaluated 2025-08-06.

Conditions:
Hereditary cancer-predisposing syndrome. Also called: Neoplastic Syndromes, Hereditary; Hereditary neoplastic syndrome; Tumor predisposition; Hereditary Cancer Syndrome. Identifiers: Orphanet 140162, MedGen C0027672, MeSH D009386, MONDO:0015356.
Bloom syndrome (BLM). Also called: Bloom-Torre-Machacek syndrome. Identifiers: Orphanet 125, MedGen C0005859, MONDO:0008876, OMIM 210900.

Submissions (3):

Labcorp Genetics (formerly Invitae), Labcorp
Classification: Uncertain significance for Bloom syndrome. Last evaluated: 2025-08-06. Review status: criteria provided, single submitter. Criteria: Invitae Variant Classification Sherloc (09022015). Collection method: clinical testing. Allele origin: germline.
Comment: This sequence change replaces cysteine, which is neutral and slightly polar, with tyrosine, which is neutral and polar, at codon 771 of the BLM protein (p.Cys771Tyr). This variant is not present in population databases (gnomAD no frequency). This variant has not been reported in the literature in individuals affected with BLM-related conditions. ClinVar contains an entry for this variant (Variation ID: 524789). Invitae Evidence Modeling of protein sequence and biophysical properties (such as structural, functional, and spatial information, amino acid conservation, physicochemical variation, residue mobility, and thermodynamic stability) indicates that this missense variant is expected to disrupt BLM protein function with a positive predictive value of 80%. In summary, the available evidence is currently insufficient to determine the role of this variant in disease. Therefore, it has been classified as a Variant of Uncertain Significance.

Fulgent Genetics
Classification: Uncertain significance for Bloom syndrome. Last evaluated: 2024-05-01. Review status: criteria provided, single submitter. Criteria: ACMG Guidelines, 2015. Collection method: clinical testing. Allele origin: germline.

Ambry Genetics
Classification: Uncertain significance for Hereditary cancer-predisposing syndrome. Last evaluated: 2024-01-02. Review status: criteria provided, single submitter. Criteria: Ambry Variant Classification Scheme 2023. Collection method: clinical testing. Allele origin: germline.
Comment: The p.C771Y variant (also known as c.2312G>A), located in coding exon 10 of the BLM gene, results from a G to A substitution at nucleotide position 2312. The cysteine at codon 771 is replaced by tyrosine, an amino acid with highly dissimilar properties. This amino acid position is well conserved in available vertebrate species. In addition, the in silico prediction for this alteration is inconclusive. Since supporting evidence is limited at this time, the clinical significance of this alteration remains unclear.

NM_000057.4(BLM):c.2312G>A (p.Cys771Tyr)

Gene: BLM (BLM RecQ like helicase; plus strand). Cytogenetic location: 15q26.1.
Variant type: single nucleotide variant.
Coding change: c.2312G>A on transcript NM_000057.4 (MANE Select); coding-DNA position 2312, G replaced by A.
Protein change: p.Cys771Tyr; replaces cysteine 771 with tyrosine.
Molecular consequence: missense variant.
Genome position (GRCh38, 1-based): chr15:90,769,137, G>A. VCF-style: chr15-90769137-G-A. GRCh37 (hg19) VCF-style: chr15-91312367-G-A.
Other names: c.2312G>A (NM_000057.2); c.2312G>A, p.Cys771Tyr (NM_001287246.2, NM_001287247.2); c.1187G>A, p.Cys396Tyr (NM_001287248.2); short protein forms C771Y, C396Y.
Identifiers: ClinVar variation 524789 (VCV000524789.11), dbSNP rs1555420831, ClinGen allele CA393845029.